The following is an entry in ClinVar:

ClinVar aggregate classification (germline): Uncertain significance. Review status: criteria provided, multiple submitters, no conflicts (2 of 4 stars). 3 submissions from 3 submitters: Uncertain significance (2). 1 of the submissions does not count toward it. Last evaluated 2022-05-06.

Conditions:
Neuronal ceroid lipofuscinosis 2. Also called: JANSKY-BIELSCHOWSKY DISEASE NEURONAL CEROID LIPOFUSCINOSIS, LATE INFANTILE; TPP1-Related Neuronal Ceroid-Lipofuscinosis. Identifiers: Orphanet 168491, Orphanet 228349, Orphanet 79264, MedGen C1876161, MONDO:0008769, OMIM 204500.

Allele frequency attached by ClinVar (database versions not stated): TOPMed below 0.00001; gnomAD 0.00001.

Submissions (3):

Labcorp Genetics (formerly Invitae), Labcorp
Classification: Uncertain significance. Last evaluated: 2022-05-06. Review status: criteria provided, single submitter. Criteria: Invitae Variant Classification Sherloc (09022015). Collection method: clinical testing. Allele origin: germline.
Comment: This sequence change replaces glycine, which is neutral and non-polar, with serine, which is neutral and polar, at codon 409 of the TPP1 protein (p.Gly409Ser). This variant is present in population databases (no rsID available, gnomAD 0.01%). This variant has not been reported in the literature in individuals affected with TPP1-related conditions. ClinVar contains an entry for this variant (Variation ID: 1163922). Advanced modeling of protein sequence and biophysical properties (such as structural, functional, and spatial information, amino acid conservation, physicochemical variation, residue mobility, and thermodynamic stability) performed at Invitae indicates that this missense variant is expected to disrupt TPP1 protein function. In summary, the available evidence is currently insufficient to determine the role of this variant in disease. Therefore, it has been classified as a Variant of Uncertain Significance.

Mayo Clinic Laboratories, Mayo Clinic
Classification: Uncertain significance. Last evaluated: 2019-05-05. Review status: criteria provided, single submitter. Criteria: ACMG Guidelines, 2015. Collection method: clinical testing. Allele origin: germline. Observed: 1 variant allele.

Natera, Inc.
Classification: Uncertain significance for Neuronal ceroid lipofuscinosis 2. Last evaluated: 2025-03-06. Review status: no assertion criteria provided. Collection method: clinical testing. Allele origin: germline. Not counted in ClinVar's aggregate classification.

NM_000391.4(TPP1):c.1225G>A (p.Gly409Ser)

Gene: TPP1 (tripeptidyl peptidase 1; minus strand). Cytogenetic location: 11p15.4.
Variant type: single nucleotide variant.
Coding change: c.1225G>A on transcript NM_000391.4 (MANE Select); coding-DNA position 1225, G replaced by A.
Protein change: p.Gly409Ser; replaces glycine 409 with serine.
Molecular consequence: missense variant.
Genome position (GRCh38, 1-based): chr11:6,615,483, C>T on the plus strand (G>A on the coding strand, the complement: TPP1 is on the minus strand). VCF-style: chr11-6615483-C-T. GRCh37 (hg19) VCF-style: chr11-6636714-C-T.
Other names: short protein forms G409S.
Identifiers: ClinVar variation 1163922 (VCV001163922.7), dbSNP rs1429220241, ClinGen allele CA379472942.